The following is an entry in ClinVar:

NM_000051.4(ATM):c.7758T>C (p.Asn2586=)

Genes: ATM (ATM serine/threonine kinase; plus strand), C11orf65 (chromosome 11 open reading frame 65; minus strand). Cytogenetic location: 11q22.3.
Variant type: single nucleotide variant.
Coding change: c.7758T>C on transcript NM_000051.4 (MANE Select); coding-DNA position 7758, T replaced by C.
Protein change: p.Asn2586=; no amino-acid change (asparagine 2586 retained).
Molecular consequence: synonymous variant. On other transcripts: intron variant (2).
Genome position (GRCh38, 1-based): chr11:108,332,007, T>C. VCF-style: chr11-108332007-T-C. GRCh37 (hg19) VCF-style: chr11-108202734-T-C.
Other names: c.7758T>C, p.Asn2586= (NM_001351834.2); c.641-22936A>G (NM_001330368.2); c.*38+3213A>G (NM_001351110.2).
Identifiers: ClinVar variation 1545899 (VCV001545899.11), dbSNP rs2136526693, ClinGen allele CA476677269.

ClinVar aggregate classification (germline): Benign/Likely benign. Review status: criteria provided, multiple submitters, no conflicts (2 of 4 stars). 3 submissions from 3 submitters: Benign (1); Likely benign (2). Last evaluated 2024-06-17.

Conditions:
Familial cancer of breast. Also called: BREAST CANCER, FAMILIAL; Hereditary breast cancer; hereditary breast carcinoma. Identifiers: Orphanet 227535, MedGen C0346153, MONDO:0016419, OMIM 114480. Disease mechanism: loss of function.
Ataxia-telangiectasia syndrome (AT). Also called: LOUIS-BAR SYNDROME; Cerebello-oculocutaneous telangiectasia; Immunodeficiency with ataxia telangiectasia; Ataxia telangiectasia (A-T); Ataxia-telangiectasia, complementation group D; AT, COMPLEMENTATION GROUP C. Identifiers: Orphanet 100, MedGen C0004135, MONDO:0008840, OMIM 208900.
Hereditary cancer-predisposing syndrome. Also called: Neoplastic Syndromes, Hereditary; Tumor predisposition; Hereditary Cancer Syndrome; Hereditary neoplastic syndrome. Identifiers: Orphanet 140162, MedGen C0027672, MeSH D009386, MONDO:0015356.

Submissions (3):

Myriad Genetics, Inc.
Classification: Benign for Familial cancer of breast. Last evaluated: 2024-06-17. Review status: criteria provided, single submitter. Criteria: Myriad Autosomal Dominant, Autosomal Recessive and X-Linked Classification Criteria (2023). Collection method: clinical testing. Allele origin: unknown.
Comment: This variant is considered benign. This variant is a silent/synonymous amino acid change and it is not expected to impact splicing.

Ambry Genetics
Classification: Likely benign for Hereditary cancer-predisposing syndrome. Last evaluated: 2021-12-22. Review status: criteria provided, single submitter. Criteria: Ambry Variant Classification Scheme 2023. Collection method: clinical testing. Allele origin: germline.

Labcorp Genetics (formerly Invitae), Labcorp
Classification: Likely benign for Ataxia-telangiectasia syndrome. Last evaluated: 2021-03-29. Review status: criteria provided, single submitter. Criteria: Invitae Variant Classification Sherloc (09022015). Collection method: clinical testing. Allele origin: germline.